The following is an entry in ClinVar:

ClinVar aggregate classification (germline): Pathogenic/Likely pathogenic. Review status: criteria provided, multiple submitters, no conflicts (2 of 4 stars). 6 submissions from 6 submitters: Pathogenic (4); Likely pathogenic (2). Last evaluated 2025-03-15.

Conditions:
LZTR1-related schwannomatosis. Also called: Schwannomatosis 2; Schwannomatosis-2, susceptibility to. Identifiers: Orphanet 93921, MedGen C3810283, MONDO:0014299, OMIM 615670.
Noonan syndrome 10 (NS10). Identifiers: Orphanet 648, MedGen C4225280, MONDO:0014693, OMIM 616564.
Noonan syndrome 2 (NS2). Identifiers: Orphanet 648, MedGen C1854469, MONDO:0011531, OMIM 605275.
Hereditary cancer-predisposing syndrome. Also called: Hereditary neoplastic syndrome; Neoplastic Syndromes, Hereditary; Tumor predisposition; Hereditary Cancer Syndrome. Identifiers: Orphanet 140162, MedGen C0027672, MeSH D009386, MONDO:0015356.
Cardiovascular phenotype. Identifiers: MedGen CN230736.

Submissions (6):

Labcorp Genetics (formerly Invitae), Labcorp
Classification: Pathogenic. Last evaluated: 2025-03-15. Review status: criteria provided, single submitter. Criteria: Invitae Variant Classification Sherloc (09022015). Collection method: clinical testing. Allele origin: germline.
Comment: This sequence change creates a premature translational stop signal (p.Leu671Valfs*3) in the LZTR1 gene. It is expected to result in an absent or disrupted protein product. Loss-of-function variants in LZTR1 are known to be pathogenic (PMID: 24362817, 25335493, 25480913, 25795793, 29469822, 30368668, 30442762, 30442766, 30481304, 30859559). This variant is not present in population databases (gnomAD no frequency). This variant has not been reported in the literature in individuals affected with LZTR1-related conditions. For these reasons, this variant has been classified as Pathogenic.

Ambry Genetics
Classification: Pathogenic for Cardiovascular phenotype; Hereditary cancer-predisposing syndrome. Last evaluated: 2024-09-05. Review status: criteria provided, single submitter. Criteria: Ambry Variant Classification Scheme 2023. Collection method: clinical testing. Allele origin: germline.
Comment: The c.2011_2012delCT pathogenic mutation, located in coding exon 17 of the LZTR1 gene, results from a deletion of two nucleotides at nucleotide positions 2011 to 2012, causing a translational frameshift with a predicted alternate stop codon (p.L671Vfs*3). This alteration is expected to result in loss of function by premature protein truncation or nonsense-mediated mRNA decay. Based on the supporting evidence, this variant is pathogenic for an increased risk of LZTR1-related schwannomatosis (SWN) and would be expected to cause autosomal recessive Noonan syndrome when present along with a second pathogenic or likely pathogenic variant on the other allele; however, the association of this alteration with autosomal dominant Noonan syndrome is unlikely.

St. Jude Molecular Pathology, St. Jude Children's Research Hospital
Classification: Pathogenic for Noonan syndrome 10. Last evaluated: 2024-08-28. Review status: criteria provided, single submitter. Criteria: St. Jude Assertion Criteria 2020. Collection method: clinical testing. Allele origin: germline.
Comment: The LZTR1 c.2011_2012del (p.Leu671ValfsTer3) change causes a frameshift and the creation of a premature stop codon. This change is predicted to cause protein truncation or absence of the protein due to nonsense mediated decay. This variant is absent in gnomAD v2.1.1. To our knowledge, this variant has not been reported in the literature in individuals with Noonan syndrome or Schwannomatosis. In summary, this variant meets criteria to be classified as pathogenic.

Women's Health and Genetics/Laboratory Corporation of America, LabCorp
Classification: Pathogenic for Noonan syndrome 2. Last evaluated: 2024-06-04. Review status: criteria provided, single submitter. Criteria: LabCorp Variant Classification Summary - May 2015. Collection method: clinical testing. Allele origin: germline.
Comment: Variant summary: LZTR1 c.2011_2012delCT (p.Leu671ValfsX3) results in a premature termination codon, predicted to cause a truncation of the encoded protein or absence of the protein due to nonsense mediated decay, which are commonly known mechanisms for disease. The variant was absent in 251208 control chromosomes. To our knowledge, no occurrence of c.2011_2012delCT in individuals affected with Noonan Syndrome 2 and no experimental evidence demonstrating its impact on protein function have been reported. ClinVar contains an entry for this variant (Variation ID: 1784418). Germline loss of function mutations in LZTR1 have been reported to predispose to an inherited disorder of multiple schwannomas (Piotrowski_2014) and recessive Noonan syndrome (Johnston_2018). Based on the evidence outlined above, the variant was classified as pathogenic for the risk of multiple schwannomas and recessive Noonan syndrome and as a variant of uncertain clinical significance for dominant Noonan syndrome.

Laboratorio de Genetica e Diagnostico Molecular, Hospital Israelita Albert Einstein
Classification: Likely pathogenic for LZTR1-related schwannomatosis. Last evaluated: 2022-03-11. Review status: criteria provided, single submitter. Criteria: ACMG Guidelines, 2015. Collection method: clinical testing. Allele origin: germline. Affected: yes. Observed: 1 variant allele.
Comment: ACMG classification criteria: PVS1 very strong, PM2 moderated

Juno Genomics, Hangzhou Juno Genomics, Inc
Classification: Likely pathogenic for LZTR1-related schwannomatosis. Review status: criteria provided, single submitter. Criteria: ACMG Guidelines, 2015. Collection method: clinical testing. Allele origin: germline.
Comment: Null variant in a gene where loss of function (LOF) is a known mechanism of disease.;Absent from controls (or at extremely low frequency if recessive) in Genome Aggregation Database.

Literature cited by the submitters: PubMed 24362817 (cited by Labcorp Genetics (formerly Invitae), Labcorp); PubMed 25335493 (cited by Labcorp Genetics (formerly Invitae), Labcorp); PubMed 25480913 (cited by Labcorp Genetics (formerly Invitae), Labcorp); PubMed 25795793 (cited by Labcorp Genetics (formerly Invitae), Labcorp); PubMed 29469822 (cited by Labcorp Genetics (formerly Invitae), Labcorp); PubMed 30368668 (cited by Labcorp Genetics (formerly Invitae), Labcorp); PubMed 30442762 (cited by Labcorp Genetics (formerly Invitae), Labcorp); PubMed 30442766 (cited by Labcorp Genetics (formerly Invitae), Labcorp); PubMed 30481304 (cited by Labcorp Genetics (formerly Invitae), Labcorp); PubMed 30859559 (cited by Labcorp Genetics (formerly Invitae), Labcorp).

NM_006767.4(LZTR1):c.2011_2012del (p.Leu671fs)

Gene: LZTR1 (leucine zipper like post translational regulator 1; plus strand). Cytogenetic location: 22q11.21.
Variant type: Microsatellite.
Coding change: c.2011_2012del on transcript NM_006767.4 (MANE Select); coding-DNA positions 2011 to 2012, 2 bases deleted (CT; older notation c.2011_2012delCT).
Protein change: p.Leu671fs; shifts the reading frame from leucine 671.
Molecular consequence: frameshift variant.
Genome position (GRCh38, 1-based): chr22:20,995,814-20,995,815, CT deleted; deleting any 2 consecutive bases within chr22:20,995,812-20,995,815 gives the same sequence; the c. name uses the placement nearest the transcript's 3' end. VCF-style (leftmost placement, unchanged base first): chr22-20995811-ACT-A. GRCh37 (hg19) VCF-style: chr22-21350100-ACT-A.
Other names: c.2011_2012delCT (NM_006767.4); short protein forms L671fs.
Identifiers: ClinVar variation 1784418 (VCV001784418.13), dbSNP rs772226479, ClinGen allele CA322271028.